The following is an entry in ClinVar:

NM_025136.4(OPA3):c.*2469G>A

Genes: OPA3 (outer mitochondrial membrane lipid metabolism regulator OPA3; minus strand), OPA3-RTN2 (OPA3-RTN2 readthrough; minus strand). Cytogenetic location: 19q13.32.
Variant type: single nucleotide variant.
Coding change: c.*2469G>A on transcript NM_025136.4 (MANE Select); 2469 bases downstream of the stop codon, G replaced by A.
Molecular consequence: 3 prime UTR variant. On other transcripts: intron variant (1).
Genome position (GRCh38, 1-based): chr19:45,551,045, C>T on the plus strand (G>A on the coding strand, the complement: OPA3 is on the minus strand). VCF-style: chr19-45551045-C-T. GRCh37 (hg19) VCF-style: chr19-46054303-C-T.
Other names: c.143-21589G>A (NM_001017989.3).
Identifiers: ClinVar variation 329642 (VCV000329642.6), dbSNP rs115566341, ClinGen allele CA10652582.

ClinVar aggregate classification (germline): Benign/Likely benign. Review status: criteria provided, multiple submitters, no conflicts (2 of 4 stars). 3 submissions from 2 submitters: Benign (1); Likely benign (2). Last evaluated 2018-01-12.

Conditions:
3-Methylglutaconic aciduria type 3 (MGCA3). Also called: OPA3, AUTOSOMAL RECESSIVE; OPTIC ATROPHY 3, AUTOSOMAL RECESSIVE; Costeff Syndrome; OPA3-Related 3-Methylglutaconic Aciduria. Identifiers: Orphanet 67047, MedGen C0574084, MONDO:0009787, OMIM 258501.
Optic atrophy 3 (OPA3). Also called: OPTIC ATROPHY 3, AUTOSOMAL DOMINANT; Optic atrophy, cataract, and neurologic disorder; Optic atrophy 3 with cataract. Identifiers: Orphanet 67036, MedGen C1833809, MONDO:0008133, OMIM 165300.

Allele frequency attached by ClinVar (database versions not stated): gnomAD exomes 0.00162; 1000 Genomes Project 0.00958; 1000 Genomes Project 30x 0.00999; gnomAD 0.01079 and 0.01165; TOPMed 0.01264.
gnomAD v4.1: 2,602 of 745,616 alleles (0.35%); highest among the groups gnomAD compares: African/African-American, 3.8%; 41 homozygotes.

Submissions (3):

Illumina Laboratory Services, Illumina
Classification: Benign for Optic atrophy 3. Last evaluated: 2018-01-12. Review status: criteria provided, single submitter. Criteria: ICSL Variant Classification Criteria 13 December 2019. Collection method: clinical testing. Allele origin: germline.
Comment: This variant was observed in the ICSL laboratory as part of a predisposition screen in an ostensibly healthy population. It had not been previously curated by ICSL or reported in the Human Gene Mutation Database (HGMD: prior to June 1st, 2018), and was therefore a candidate for classification through an automated scoring system. Utilizing variant allele frequency, disease prevalence and penetrance estimates, and inheritance mode, an automated score was calculated to assess if this variant is too frequent to cause the disease. Based on the score and internal cut-off values, a variant classified as benign is not then subjected to further curation. The score for this variant resulted in a classification of benign for this disease.

Illumina Laboratory Services, Illumina
Classification: Likely benign for 3-Methylglutaconic aciduria type 3. Last evaluated: 2018-01-12. Review status: criteria provided, single submitter. Criteria: ICSL Variant Classification Criteria 13 December 2019. Collection method: clinical testing. Allele origin: germline.
Comment: This variant was observed in the ICSL laboratory as part of a predisposition screen in an ostensibly healthy population. It had not been previously curated by ICSL or reported in the Human Gene Mutation Database (HGMD: prior to June 1st, 2018), and was therefore a candidate for classification through an automated scoring system. Utilizing variant allele frequency, disease prevalence and penetrance estimates, and inheritance mode, an automated score was calculated to assess if this variant is too frequent to cause the disease. Based on the score and internal cut-off values, a variant classified as likely benign is not then subjected to further curation. The score for this variant resulted in a classification of likely benign for this disease.

Breakthrough Genomics
Classification: Likely benign. Review status: criteria provided, single submitter. Criteria: ACMG Guidelines, 2015. Collection method: not provided. Allele origin: germline. Inheritance: Autosomal recessive inheritance. Affected: yes.